The following is an entry in ClinVar:

ClinVar aggregate classification (germline): Uncertain significance (1 of 4 stars; one submission).

Conditions:
Hereditary sensory and autonomic neuropathy type 7. Also called: Neuropathy, hereditary sensory and autonomic, type VII; HSAN VII. Identifiers: Orphanet 391397, MedGen C3809882, MONDO:0014244, OMIM 615548.
Familial episodic pain syndrome with predominantly lower limb involvement. Also called: Episodic pain syndrome, familial, 3. Identifiers: Orphanet 391384, Orphanet 391392, MedGen C3809899, MONDO:0014247, OMIM 615552.

Submission:

Labcorp Genetics (formerly Invitae), Labcorp
Classification: Uncertain significance for Familial episodic pain syndrome with predominantly lower limb involvement; Hereditary sensory and autonomic neuropathy type 7. Last evaluated: 2024-10-16. Review status: criteria provided, single submitter. Criteria: Invitae Variant Classification Sherloc (09022015). Collection method: clinical testing. Allele origin: germline.
Comment: This sequence change replaces alanine, which is neutral and non-polar, with proline, which is neutral and non-polar, at codon 1249 of the SCN11A protein (p.Ala1249Pro). This variant is not present in population databases (gnomAD no frequency). This variant has not been reported in the literature in individuals affected with SCN11A-related conditions. ClinVar contains an entry for this variant (Variation ID: 1715954). Invitae Evidence Modeling of protein sequence and biophysical properties (such as structural, functional, and spatial information, amino acid conservation, physicochemical variation, residue mobility, and thermodynamic stability) indicates that this missense variant is expected to disrupt SCN11A protein function with a positive predictive value of 80%. In summary, the available evidence is currently insufficient to determine the role of this variant in disease. Therefore, it has been classified as a Variant of Uncertain Significance.

NM_001349253.2(SCN11A):c.3745G>C (p.Ala1249Pro)

Genes: SCN11A (sodium voltage-gated channel alpha subunit 11; minus strand), LOC126806652 (CDK7 strongly-dependent group 2 enhancer GRCh37_chr3:38912374-38913573; plus strand). Cytogenetic location: 3p22.2.
Variant type: single nucleotide variant.
Coding change: c.3745G>C on transcript NM_001349253.2 (MANE Select); coding-DNA position 3745, G replaced by C.
Protein change: p.Ala1249Pro; replaces alanine 1249 with proline.
Molecular consequence: missense variant.
Genome position (GRCh38, 1-based): chr3:38,871,459, C>G on the plus strand (G>C on the coding strand, the complement: SCN11A is on the minus strand). VCF-style: chr3-38871459-C-G. GRCh37 (hg19) VCF-style: chr3-38912950-C-G.
Other names: c.3745G>C, p.Ala1249Pro (NM_014139.3); short protein forms A1249P.
Identifiers: ClinVar variation 1715954 (VCV001715954.6), dbSNP rs1222682816, ClinGen allele CA352170350.
Genomic context (GRCh38, chr3:38,871,459, plus strand): 5'-TGAAGGTTTTTCTCCTCAGAGTGAAAAACATACTGACTGTACTTACCACTTGCAGCAGAG[C>G]GAGGTAAGCATTTCCCACATTGTCAAAGTTGACTTTCTGGTTGATCCAAGAGAAATTGCC-3'
Protein context (NP_001336182.1, residues 1239-1259): NFDNVGNAYL[Ala1249Pro]LLQVATFKGW